The following is an entry in ClinVar:

ClinVar aggregate classification (germline): Conflicting classifications of pathogenicity. Review status: criteria provided, conflicting classifications (1 of 4 stars). 5 submissions from 5 submitters: Uncertain significance (1); Likely benign (4). Last evaluated 2026-06-03.

Conditions:
Chédiak-Higashi syndrome (CHS). Also called: Chediak-Higashi Syndrome. Identifiers: Orphanet 167, MedGen C0007965, MONDO:0008963, OMIM 214500.
LYST-related disorder. Also called: LYST-related condition.

Allele frequency attached by ClinVar (database versions not stated): TOPMed 0.00007; ExAC 0.00009; gnomAD 0.00009; gnomAD exomes 0.00016.
gnomAD v4.1: 252 of 1,613,952 alleles (0.016%); highest among the groups gnomAD compares: Non-Finnish European, 0.019%; no homozygotes.

Submissions (5):

PreventionGenetics, part of Exact Sciences
Classification: Likely benign for LYST-related condition. Last evaluated: 2026-06-03. Review status: criteria provided, single submitter. Criteria: ACMG Guidelines, 2015. Collection method: clinical testing. Allele origin: germline.
Comment: This variant is classified as likely benign based on ACMG/AMP sequence variant interpretation guidelines (Richards et al. 2015 PMID: 25741868, with internal and published modifications).

Women's Health and Genetics/Laboratory Corporation of America, LabCorp
Classification: Likely benign. Last evaluated: 2026-05-21. Review status: criteria provided, single submitter. Criteria: LabCorp Variant Classification Summary - May 2015. Collection method: clinical testing. Allele origin: germline.

Labcorp Genetics (formerly Invitae), Labcorp
Classification: Likely benign for Chédiak-Higashi syndrome. Last evaluated: 2026-01-18. Review status: criteria provided, single submitter. Criteria: Invitae Variant Classification Sherloc (09022015). Collection method: clinical testing. Allele origin: germline.

Blueprint Genetics
Classification: Likely benign. Last evaluated: 2023-09-27. Review status: criteria provided, single submitter. Criteria: ACMG Guidelines, 2015. Collection method: clinical testing. Allele origin: germline.

Illumina Laboratory Services, Illumina
Classification: Uncertain significance for Chédiak-Higashi syndrome. Last evaluated: 2018-01-12. Review status: criteria provided, single submitter. Criteria: ICSL Variant Classification Criteria 13 December 2019. Collection method: clinical testing. Allele origin: germline.

NM_000081.4(LYST):c.9969C>T (p.His3323=)

Genes: LYST (lysosomal trafficking regulator; minus strand), LOC126806063 (MED14-independent group 3 enhancer GRCh37_chr1:235871544-235872743; plus strand). Cytogenetic location: 1q42.3.
Variant type: single nucleotide variant.
Coding change: c.9969C>T on transcript NM_000081.4 (MANE Select); coding-DNA position 9969, C replaced by T.
Protein change: p.His3323=; no amino-acid change (histidine 3323 retained).
Molecular consequence: synonymous variant.
Genome position (GRCh38, 1-based): chr1:235,709,265, G>A on the plus strand (C>T on the coding strand, the complement: LYST is on the minus strand). VCF-style: chr1-235709265-G-A. GRCh37 (hg19) VCF-style: chr1-235872565-G-A.
Other names: c.9969C>T, p.His3323= (NM_001301365.1).
Identifiers: ClinVar variation 296359 (VCV000296359.18), dbSNP rs200610828, ClinGen allele CA1465465.